The following is an entry in ClinVar:

ClinVar aggregate classification (germline): Uncertain significance. Review status: criteria provided, multiple submitters, no conflicts (2 of 4 stars). 5 submissions from 5 submitters: Uncertain significance (5). Last evaluated 2025-07-11.

Conditions:
Familial thoracic aortic aneurysm and aortic dissection (TAAD). Also called: Thoracic aortic aneurysms and dissections. Identifiers: Orphanet 91387, MedGen C4707243, MONDO:0019625.
Aortic aneurysm, familial thoracic 4 (AAT4). Also called: AORTIC ANEURYSM/AORTIC DISSECTION AND PATENT DUCTUS ARTERIOSUS. Identifiers: MedGen C1851504, MONDO:0007568, OMIM 132900.
Visceral myopathy 2. Identifiers: MedGen C5543466, MONDO:0859157, OMIM 619350.
Megacystis-microcolon-intestinal hypoperistalsis syndrome 2. Identifiers: MedGen C5543476, MONDO:0025708, OMIM 619351.

Allele frequency attached by ClinVar (database versions not stated): gnomAD exomes below 0.00001; gnomAD 0.00001; TOPMed 0.00001.
gnomAD v4.1: 3 of 1,614,080 alleles (0.00019%); highest among the groups gnomAD compares: Non-Finnish European, 0.00025%; no homozygotes.

Submissions (5):

Color Diagnostics, LLC DBA Color Health
Classification: Uncertain significance for Familial thoracic aortic aneurysm and aortic dissection. Last evaluated: 2025-07-11. Review status: criteria provided, single submitter. Criteria: ACMG Guidelines, 2015. Collection method: clinical testing. Allele origin: germline.
Comment: This missense variant replaces arginine with tryptophan at codon 725 of the MYH11 protein. Computational prediction suggests that this variant may have a deleterious impact on protein structure and function. To our knowledge, functional studies have not been reported for this variant. This variant has been reported in an individual affected with nonsyndromic thoracic aortic aneurysm and dissection (PMID: 30739908). This variant has not been identified in the general population by the Genome Aggregation Database (gnomAD). The available evidence is insufficient to determine the role of this variant in disease conclusively. Therefore, this variant is classified as a Variant of Uncertain Significance.

Labcorp Genetics (formerly Invitae), Labcorp
Classification: Uncertain significance for Aortic aneurysm, familial thoracic 4. Last evaluated: 2024-01-01. Review status: criteria provided, single submitter. Criteria: Invitae Variant Classification Sherloc (09022015). Collection method: clinical testing. Allele origin: germline.
Comment: This sequence change replaces arginine, which is basic and polar, with tryptophan, which is neutral and slightly polar, at codon 725 of the MYH11 protein (p.Arg725Trp). This variant is not present in population databases (gnomAD no frequency). This missense change has been observed in individual(s) with thoracic aortic aneurysm and/or dissection (PMID: 30739908). ClinVar contains an entry for this variant (Variation ID: 979135). Advanced modeling of protein sequence and biophysical properties (such as structural, functional, and spatial information, amino acid conservation, physicochemical variation, residue mobility, and thermodynamic stability) has been performed at Invitae for this missense variant, however the output from this modeling did not meet the statistical confidence thresholds required to predict the impact of this variant on MYH11 protein function. In summary, the available evidence is currently insufficient to determine the role of this variant in disease. Therefore, it has been classified as a Variant of Uncertain Significance.

Fulgent Genetics
Classification: Uncertain significance for Aortic aneurysm, familial thoracic 4; Visceral myopathy 2; Megacystis-microcolon-intestinal hypoperistalsis syndrome 2. Last evaluated: 2022-01-05. Review status: criteria provided, single submitter. Criteria: ACMG Guidelines, 2015. Collection method: clinical testing. Allele origin: unknown.

Ambry Genetics
Classification: Uncertain significance for Familial thoracic aortic aneurysm and aortic dissection. Last evaluated: 2021-11-18. Review status: criteria provided, single submitter. Criteria: Ambry Variant Classification Scheme 2023. Collection method: clinical testing. Allele origin: germline.
Comment: The p.R718W variant (also known as c.2152C>T), located in coding exon 16 of the MYH11 gene, results from a C to T substitution at nucleotide position 2152. The arginine at codon 718 is replaced by tryptophan, an amino acid with dissimilar properties. This variant (referred to as p.Arg725Trp, c.2173C>T) has been detected in a non-syndromic thoracic aortic aneurysms and dissections cohort; however, details were limited (Arnaud P et al. Genet Med, 2019 09;21:2015-2024). This amino acid position is highly conserved in available vertebrate species. In addition, this alteration is predicted to be deleterious by in silico analysis. Since supporting evidence is limited at this time, the clinical significance of this alteration remains unclear.

Human Genome Sequencing Center Clinical Lab, Baylor College of Medicine
Classification: Uncertain significance for Familial thoracic aortic aneurysm 4. Review status: criteria provided, single submitter. Criteria: ACMG Guidelines, 2015. Collection method: clinical testing. Allele origin: germline.

Literature cited by the submitters: PubMed 30739908 (cited by 3 submitters).

NM_002474.3(MYH11):c.2152C>T (p.Arg718Trp)

Gene: MYH11 (myosin heavy chain 11; minus strand). Cytogenetic location: 16p13.11.
Variant type: single nucleotide variant.
Coding change: c.2152C>T on transcript NM_002474.3 (MANE Select); coding-DNA position 2152, C replaced by T.
Protein change: p.Arg718Trp; replaces arginine 718 with tryptophan.
Molecular consequence: missense variant.
Genome position (GRCh38, 1-based): chr16:15,748,075, G>A on the plus strand (C>T on the coding strand, the complement: MYH11 is on the minus strand). VCF-style: chr16-15748075-G-A. GRCh37 (hg19) VCF-style: chr16-15841932-G-A.
Other names: c.2173C>T, p.Arg725Trp (NM_001040113.2, NM_001040114.2); c.2152C>T, p.Arg718Trp (NM_022844.3); short protein forms R718W, R725W.
Identifiers: ClinVar variation 979135 (VCV000979135.6), dbSNP rs1275950124, ClinGen allele CA394868012.